The following is an entry in ClinVar:

NM_001298.3(CNGA3):c.2081_2082del (p.Gln694fs)

Gene: CNGA3 (cyclic nucleotide gated channel subunit alpha 3; plus strand). Cytogenetic location: 2q11.2.
Variant type: Deletion.
Coding change: c.2081_2082del on transcript NM_001298.3 (MANE Select); coding-DNA positions 2081 to 2082, 2 bases deleted (AG; older notation c.2081_2082delAG).
Protein change: p.Gln694fs; shifts the reading frame from glutamine 694.
Molecular consequence: frameshift variant.
Genome position (GRCh38, 1-based): chr2:98,397,251-98,397,252, AG deleted. VCF-style (leftmost placement, unchanged base first): chr2-98397250-CAG-C. GRCh37 (hg19) VCF-style: chr2-99013713-CAG-C.
Other names: c.2027_2028del, p.Gln676fs (NM_001079878.2); short protein forms Q694fs, Q676fs.
Identifiers: ClinVar variation 3638717 (VCV003638717.2).

ClinVar aggregate classification (germline): Uncertain significance (1 of 4 stars; one submission).

Submission:

Labcorp Genetics (formerly Invitae), Labcorp
Classification: Uncertain significance. Last evaluated: 2024-02-03. Review status: criteria provided, single submitter. Criteria: Invitae Variant Classification Sherloc (09022015). Collection method: clinical testing. Allele origin: germline.
Comment: This sequence change results in a frameshift in the CNGA3 gene (p.Gln694Leufs*17). While this is not anticipated to result in nonsense mediated decay, it is expected to disrupt the last 1 amino acid(s) of the CNGA3 protein and extend the protein by 15 additional amino acid residues. This variant is not present in population databases (gnomAD no frequency). This variant has not been reported in the literature in individuals affected with CNGA3-related conditions. Experimental studies and prediction algorithms are not available or were not evaluated, and the functional significance of this variant is currently unknown. In summary, the available evidence is currently insufficient to determine the role of this variant in disease. Therefore, it has been classified as a Variant of Uncertain Significance.